The following is an entry in ClinVar:

NM_003482.4(KMT2D):c.9328C>T (p.Arg3110Cys)

Gene: KMT2D (lysine methyltransferase 2D; minus strand). Cytogenetic location: 12q13.12.
Variant type: single nucleotide variant.
Coding change: c.9328C>T on transcript NM_003482.4 (MANE Select); coding-DNA position 9328, C replaced by T.
Protein change: p.Arg3110Cys; replaces arginine 3110 with cysteine.
Molecular consequence: missense variant.
Genome position (GRCh38, 1-based): chr12:49,038,028, G>A on the plus strand (C>T on the coding strand, the complement: KMT2D is on the minus strand). VCF-style: chr12-49038028-G-A. GRCh37 (hg19) VCF-style: chr12-49431811-G-A.
Other names: short protein forms R3110C.
Identifiers: ClinVar variation 860293 (VCV000860293.11), dbSNP rs773164595, ClinGen allele CA6546709.

ClinVar aggregate classification (germline): Conflicting classifications of pathogenicity. Review status: criteria provided, conflicting classifications (1 of 4 stars). 4 submissions from 4 submitters: Uncertain significance (1); Benign (1); Likely benign (2). Last evaluated 2026-04-06.

Conditions:
Inborn genetic diseases. Identifiers: MedGen C0950123, MeSH D030342.
Kabuki syndrome. Also called: Kabuki make-up syndrome; NIIKAWA-KUROKI SYNDROME. Identifiers: Orphanet 2322, MedGen C0796004, MONDO:0016512.
KMT2D-related disorder. Also called: KMT2D-Related Disorders.

Allele frequency attached by ClinVar (database versions not stated): TOPMed below 0.00001; gnomAD 0.00001; ExAC 0.00002; gnomAD exomes 0.00002.
gnomAD v4.1: 38 of 1,609,538 alleles (0.0024%); highest among the groups gnomAD compares: South Asian, 0.0044%; no homozygotes.

Submissions (4):

PreventionGenetics, part of Exact Sciences
Classification: Uncertain significance for KMT2D-related condition. Last evaluated: 2026-04-06. Review status: criteria provided, single submitter. Criteria: ACMG Guidelines, 2015. Collection method: clinical testing. Allele origin: germline.
Comment: The KMT2D c.9328C>T variant is predicted to result in the amino acid substitution p.Arg3110Cys. To our knowledge, this variant has not been reported in the literature. This variant is reported in 0.0067% of alleles in individuals of South Asian descent in gnomAD. At this time, the clinical significance of this variant is uncertain due to the absence of conclusive functional and genetic evidence.

Labcorp Genetics (formerly Invitae), Labcorp
Classification: Benign for Kabuki syndrome. Last evaluated: 2025-06-09. Review status: criteria provided, single submitter. Criteria: Invitae Variant Classification Sherloc (09022015). Collection method: clinical testing. Allele origin: germline.

Blueprint Genetics
Classification: Likely benign. Last evaluated: 2024-03-14. Review status: criteria provided, single submitter. Criteria: ACMG Guidelines, 2015. Collection method: clinical testing. Allele origin: germline.

Ambry Genetics
Classification: Likely benign for Inborn genetic diseases. Last evaluated: 2023-06-23. Review status: criteria provided, single submitter. Criteria: Ambry Variant Classification Scheme 2023. Collection method: clinical testing. Allele origin: germline.